The following is an entry in ClinVar:

NC_000018.9:g.(?_59819870)_(59824935_?)del

Gene: PIGN (phosphatidylinositol glycan anchor biosynthesis class N; minus strand). Cytogenetic location: 18q21.33.
Variant type: Deletion.
Identifiers: ClinVar variation 2427545 (VCV002427545.4).

ClinVar aggregate classification (germline): Likely pathogenic (1 of 4 stars; one submission).

Conditions:
Multiple congenital anomalies-hypotonia-seizures syndrome 1 (MCAHS1). Also called: PIGN-CDG; Congenital disorder of glycosylation due to PIGN deficiency; GLYCOSYLPHOSPHATIDYLINOSITOL BIOSYNTHESIS DEFECT 3. Identifiers: Orphanet 280633, MedGen C3279775, MONDO:0013563, OMIM 614080.

Submission:

Labcorp Genetics (formerly Invitae), Labcorp
Classification: Likely pathogenic for Multiple congenital anomalies-hypotonia-seizures syndrome 1. Last evaluated: 2019-02-05. Review status: criteria provided, single submitter. Criteria: Invitae Variant Classification Sherloc (09022015). Collection method: clinical testing. Allele origin: germline.
Comment: In summary, the currently available evidence indicates that the variant is pathogenic, but additional data are needed to prove that conclusively. Therefore, this variant has been classified as Likely Pathogenic. Loss-of-function variants in PIGN are known to be pathogenic (PMID: 24253414, 27038415). A similar deletion has been observed in individuals affected with Multiple Congenital Anomalies Hypotonia Seizures Syndrome (MCAHS1) and¬†Fryns syndrome¬†(PMID: 26394714, 29330547). This variant is a deletion of the genomic region encompassing exons 6-7 and part of exon 5 (c.328_549+1908del) of the PIGN gene. It is expected to disrupt RNA splicing and likely results in an absent or disrupted protein product.

Literature cited by the submitters: PubMed 24253414; PubMed 27038415; PubMed 26394714; PubMed 29330547.